The following is an entry in ClinVar:

NM_007055.4(POLR3A):c.1024G>T (p.Val342Phe)

Gene: POLR3A (RNA polymerase III subunit A; minus strand). Cytogenetic location: 10q22.3.
Variant type: single nucleotide variant.
Coding change: c.1024G>T on transcript NM_007055.4 (MANE Select); coding-DNA position 1024, G replaced by T.
Protein change: p.Val342Phe; replaces valine 342 with phenylalanine.
Molecular consequence: missense variant.
Genome position (GRCh38, 1-based): chr10:78,021,884, C>A on the plus strand (G>T on the coding strand, the complement: POLR3A is on the minus strand). VCF-style: chr10-78021884-C-A. GRCh37 (hg19) VCF-style: chr10-79781642-C-A.
Other names: short protein forms V342F.
Identifiers: ClinVar variation 1034344 (VCV001034344.1), dbSNP rs141899032, ClinGen allele CA377344522.
Genomic context (GRCh38, chr10:78,021,884, plus strand): 5'-GTGGGCTGGCTTCTGCACATCTTGTGGGAAACCTACCCTGTTTTCCCTTCAGGCGTTGGA[C>A]GAAGCCTCTGGTCCACTTCTTGGGTGCCATGTTGAGGGGAATGCCCGAGAGCTCACTGTT-3'
Protein context (NP_008986.2, residues 332-352): MAPKKWTRGF[Val342Phe]QRLKGKQGRF

ClinVar aggregate classification (germline): Uncertain significance (1 of 4 stars; one submission).

Conditions:
Leukodystrophy, hypomyelinating, 7, with or without oligodontia and/or hypogonadotropic hypogonadism (HLD7). Also called: LEUKODYSTROPHY, HYPOMYELINATING, 7, WITH OLIGODONTIA; LEUKODYSTROPHY, HYPOMYELINATING, 7, WITH OLIGODONTIA AND HYPOGONADOTROPIC HYPOGONADISM; LEUKODYSTROPHY, HYPOMYELINATING, 7, WITHOUT OLIGODONTIA OR HYPOGONADOTROPIC HYPOGONADISM; LEUKOENCEPHALOPATHY, HYPOMYELINATING, WITH ATAXIA AND DELAYED DENTITION; ATAXIA, DELAYED DENTITION, AND HYPOMYELINATION; Ataxia, Delayed Dentition and Hypomyelination (ADDH). Identifiers: Orphanet 137639, Orphanet 447893, Orphanet 447896, Orphanet 77295, Orphanet 88637, MedGen CN034185, MONDO:0011897, OMIM 607694.

Submission:

Baylor Genetics
Classification: Uncertain significance for Leukodystrophy, hypomyelinating, 7, with or without oligodontia and/or hypogonadotropic hypogonadism. Last evaluated: 2018-01-16. Review status: criteria provided, single submitter. Criteria: ACMG Guidelines, 2015. Collection method: clinical testing. Allele origin: paternal. Affected: yes.
Comment: This variant was determined to be of uncertain significance according to ACMG Guidelines, 2015 [PMID:25741868].